The following is an entry in ClinVar:

ClinVar aggregate classification (germline): Uncertain significance. Review status: criteria provided, multiple submitters, no conflicts (2 of 4 stars). 3 submissions from 3 submitters: Uncertain significance (3). Last evaluated 2025-07-01.

Conditions:
Inborn genetic diseases. Identifiers: MedGen C0950123, MeSH D030342.

Allele frequency attached by ClinVar (database versions not stated): gnomAD 0.00001.
gnomAD v4.1: 67 of 1,613,356 alleles (0.0042%); highest among the groups gnomAD compares: Non-Finnish European, 0.0051%; 1 homozygote.

Submissions (3):

Ambry Genetics
Classification: Uncertain significance for Inborn genetic diseases. Last evaluated: 2025-07-01. Review status: criteria provided, single submitter. Criteria: Ambry Variant Classification Scheme 2023. Collection method: clinical testing. Allele origin: germline.

Labcorp Genetics (formerly Invitae), Labcorp
Classification: Uncertain significance. Last evaluated: 2024-01-18. Review status: criteria provided, single submitter. Criteria: Invitae Variant Classification Sherloc (09022015). Collection method: clinical testing. Allele origin: germline.
Comment: This sequence change replaces arginine, which is basic and polar, with leucine, which is neutral and non-polar, at codon 736 of the MME protein (p.Arg736Leu). This variant is present in population databases (rs201935217, gnomAD 0.004%). This variant has not been reported in the literature in individuals affected with MME-related conditions. ClinVar contains an entry for this variant (Variation ID: 1351703). Algorithms developed to predict the effect of missense changes on protein structure and function output the following: SIFT: "Not Available"; PolyPhen-2: "Benign"; Align-GVGD: "Not Available". The leucine amino acid residue is found in multiple mammalian species, which suggests that this missense change does not adversely affect protein function. In summary, the available evidence is currently insufficient to determine the role of this variant in disease. Therefore, it has been classified as a Variant of Uncertain Significance.

GeneDx
Classification: Uncertain significance. Last evaluated: 2023-07-13. Review status: criteria provided, single submitter. Criteria: GeneDx Variant Classification Process June 2021. Collection method: clinical testing. Allele origin: germline. Affected: yes.
Comment: Not observed at significant frequency in large population cohorts (gnomAD); In silico analysis supports that this missense variant does not alter protein structure/function; Has not been previously published as pathogenic or benign to our knowledge

NM_007289.4(MME):c.2207G>T (p.Arg736Leu)

Gene: MME (membrane metalloendopeptidase; plus strand). Cytogenetic location: 3q25.2.
Variant type: single nucleotide variant.
Coding change: c.2207G>T on transcript NM_007289.4 (MANE Select); coding-DNA position 2207, G replaced by T.
Protein change: p.Arg736Leu; replaces arginine 736 with leucine.
Molecular consequence: missense variant.
Genome position (GRCh38, 1-based): chr3:155,180,413, G>T. VCF-style: chr3-155180413-G-T. GRCh37 (hg19) VCF-style: chr3-154898202-G-T.
Other names: c.2207G>T, p.Arg736Leu (NM_000902.5, NM_001354642.2, NM_001354643.1 and 2 more transcripts); c.2207G>T (NM_007289.2); short protein forms R736L.
Identifiers: ClinVar variation 1351703 (VCV001351703.8), dbSNP rs201935217, ClinGen allele CA2675788.